The following is an entry in ClinVar:

ClinVar aggregate classification (germline): Uncertain significance (1 of 4 stars; one submission).

Conditions:
Atypical hemolytic-uremic syndrome. Identifiers: Orphanet 2134, MedGen C2931788, MONDO:0016244.

Submission:

Genomenon, Inc
Classification: Uncertain significance for Atypical hemolytic-uremic syndrome. Last evaluated: 2025-10-02. Review status: criteria provided, single submitter. Criteria: Genomenon Sequence Variant Interpretation Standards. Collection method: curation. Allele origin: germline. Affected: no.
Comment: CD46 p.Asp104Ala (c.311A>C) is a missense variant that changes the amino acid at residue 104 from Aspartic acid to Alanine. This variant has been reported in the published literature (PMID:11093164;16014961;9268348;26357573). It is absent or not present at a significant frequency in gnomAD. In silico models agree that this variant is not damaging. In conclusion, we classify CD46 p.Asp104Ala (c.311A>C) as a variant of uncertain significance.

Literature cited by the submitters: PubMed 11093164; PubMed 16014961; PubMed 9268348; PubMed 26357573.

NM_172351.3(CD46):c.311A>C (p.Asp104Ala)

Gene: CD46 (CD46 molecule; plus strand). Cytogenetic location: 1q32.2.
Variant type: single nucleotide variant.
Coding change: c.311A>C on transcript NM_172351.3 (MANE Select); coding-DNA position 311, A replaced by C.
Protein change: p.Asp104Ala; replaces aspartic acid 104 with alanine.
Molecular consequence: missense variant.
Genome position (GRCh38, 1-based): chr1:207,757,564, A>C. VCF-style: chr1-207757564-A-C. GRCh37 (hg19) VCF-style: chr1-207930909-A-C.
Other names: c.311A>C, p.Asp104Ala (NM_002389.4, NM_153826.4, NM_172350.3 and 8 more transcripts); short protein forms D104A.
Identifiers: ClinVar variation 4291259 (VCV004291259.1).